The following is an entry in ClinVar:

ClinVar aggregate classification (germline): Uncertain significance (1 of 4 stars; one submission).

Allele frequency attached by ClinVar (database versions not stated): gnomAD exomes 0.00001; TOPMed 0.00001; ExAC 0.00006.
gnomAD v4.1: 3 of 1,589,770 alleles (0.00019%); highest among the groups gnomAD compares: East Asian, 0.0069%; no homozygotes.

Submission:

Labcorp Genetics (formerly Invitae), Labcorp
Classification: Uncertain significance. Last evaluated: 2022-09-07. Review status: criteria provided, single submitter. Criteria: Invitae Variant Classification Sherloc (09022015). Collection method: clinical testing. Allele origin: germline.
Comment: This sequence change replaces asparagine, which is neutral and polar, with histidine, which is basic and polar, at codon 77 of the MYO7A protein (p.Asn77His). This variant is present in population databases (rs781999112, gnomAD 0.06%). This variant has not been reported in the literature in individuals affected with MYO7A-related conditions. Advanced modeling of protein sequence and biophysical properties (such as structural, functional, and spatial information, amino acid conservation, physicochemical variation, residue mobility, and thermodynamic stability) performed at Invitae indicates that this missense variant is not expected to disrupt MYO7A protein function. In summary, the available evidence is currently insufficient to determine the role of this variant in disease. Therefore, it has been classified as a Variant of Uncertain Significance.

NM_000260.4(MYO7A):c.229A>C (p.Asn77His)

Gene: MYO7A (myosin VIIA; plus strand). Cytogenetic location: 11q13.5.
Variant type: single nucleotide variant.
Coding change: c.229A>C on transcript NM_000260.4 (MANE Select); coding-DNA position 229, A replaced by C.
Protein change: p.Asn77His; replaces asparagine 77 with histidine.
Molecular consequence: missense variant.
Genome position (GRCh38, 1-based): chr11:77,147,894, A>C. VCF-style: chr11-77147894-A-C. GRCh37 (hg19) VCF-style: chr11-76858940-A-C.
Other names: c.229A>C, p.Asn77His (NM_001127180.2); c.196A>C, p.Asn66His (NM_001369365.1); short protein forms N66H, N77H.
Identifiers: ClinVar variation 2199182 (VCV002199182.1), dbSNP rs781999112, ClinGen allele CA6197074.